The following is an entry in ClinVar:

ClinVar aggregate classification (germline): Likely pathogenic (1 of 4 stars; one submission).

Conditions:
Cardiovascular phenotype. Identifiers: MedGen CN230736.

Submission:

Ambry Genetics
Classification: Likely pathogenic for Cardiovascular phenotype. Last evaluated: 2023-10-10. Review status: criteria provided, single submitter. Criteria: Ambry Variant Classification Scheme 2023. Collection method: clinical testing. Allele origin: germline.
Comment: The p.W17848* variant (also known as c.53543G>A), located in coding exon 153 of the TTN gene, results from a G to A substitution at nucleotide position 53543. This changes the amino acid from a tryptophan to a stop codon within coding exon 153. This exon is located in the A-band region of the N2-B isoform of the titin protein and is constitutively expressed in TTN transcripts (percent spliced in or PSI 100%). This variant is considered to be rare based on population cohorts in the Genome Aggregation Database (gnomAD). This alteration is expected to result in loss of function by premature protein truncation or nonsense-mediated mRNA decay. While truncating variants in TTN are present in 1-3% of the general population, truncating variants in the A-band are the most common cause of dilated cardiomyopathy (DCM) (Herman DS et al. N. Engl. J. Med., 2012 Feb;366:619-28; Roberts AM et al. Sci Transl Med, 2015 Jan;7:270ra6). TTN truncating variants encoded in constitutive exons (PSI >90%) have been found to be significantly associated with DCM regardless of their position in titin (Schafer S et al. Nat. Genet., 2017 01;49:46-53). Based on the majority of available evidence to date, this variant is likely to be pathogenic.

NM_001267550.2(TTN):c.80738G>A (p.Trp26913Ter)

Genes: TTN (titin; minus strand), TTN-AS1 (TTN antisense RNA 1; plus strand). Cytogenetic location: 2q31.2.
Variant type: single nucleotide variant.
Coding change: c.80738G>A on transcript NM_001267550.2 (MANE Select); coding-DNA position 80738, G replaced by A.
Protein change: p.Trp26913Ter; replaces tryptophan 26913 with a stop codon.
Molecular consequence: nonsense.
Genome position (GRCh38, 1-based): chr2:178,565,394, C>T on the plus strand (G>A on the coding strand, the complement: TTN is on the minus strand). VCF-style: chr2-178565394-C-T. GRCh37 (hg19) VCF-style: chr2-179430121-C-T.
Other names: c.75815G>A, p.Trp25272Ter (NM_001256850.1); c.53543G>A, p.Trp17848Ter (NM_003319.4); c.73034G>A, p.Trp24345Ter (NM_133378.4); c.53918G>A, p.Trp17973Ter (NM_133432.3); c.54119G>A, p.Trp18040Ter (NM_133437.4); short protein forms W17848*, W17973*, W18040*, W24345*, W25272*, W26913*.
Identifiers: ClinVar variation 3223304 (VCV003223304.1), dbSNP rs1705368893, ClinGen allele CA349586510.
Genomic context (GRCh38, chr2:178,565,394, plus strand): 5'-GTAGCTGTTTCTTCAACGTTTACTCTTGTTGTCTGTTTAAGAGGCTCACCATCTTTGACC[C>T]AAGAAATGTTAGGTCTTGGTCGGCCTATAACTGGAATTTCTATTTTAAGATCTTCTCCAG-3'